The following is an entry in ClinVar:

NM_021133.4(RNASEL):c.418G>T (p.Ala140Ser)

Gene: RNASEL (ribonuclease L; minus strand). Cytogenetic location: 1q25.3.
Variant type: single nucleotide variant.
Coding change: c.418G>T on transcript NM_021133.4 (MANE Select); coding-DNA position 418, G replaced by T.
Protein change: p.Ala140Ser; replaces alanine 140 with serine.
Molecular consequence: missense variant.
Genome position (GRCh38, 1-based): chr1:182,586,389, C>A on the plus strand (G>T on the coding strand, the complement: RNASEL is on the minus strand). VCF-style: chr1-182586389-C-A. GRCh37 (hg19) VCF-style: chr1-182555524-C-A.
Other names: short protein forms A140S.
Identifiers: ClinVar variation 1049791 (VCV001049791.1), dbSNP rs758397188, ClinGen allele CA1278283.

ClinVar aggregate classification (germline): Uncertain significance (0 of 4 stars; one submission).

Allele frequency attached by ClinVar (database versions not stated): gnomAD 0.00001 and 0.00003; TOPMed 0.00001; ExAC 0.00020; gnomAD exomes 0.00022.
gnomAD v4.1: 116 of 1,614,032 alleles (0.0072%); highest among the groups gnomAD compares: South Asian, 0.11%; no homozygotes.

Submission:

Department of Pathology and Laboratory Medicine, Sinai Health System
Classification: Uncertain significance. Review status: no assertion criteria provided. Collection method: clinical testing. Allele origin: unknown. Affected: yes. Study: The Canadian Open Genetics Repository (COGR).
Comment: The RNASEL p.A140S variant was not identified in the literature nor was it identified in ClinVar, Cosmic, or LOVD 3.0. The variant was identified in dbSNP (ID: rs758397188) and in control databases in 55 of 251084 chromosomes (0 homozygous) at a frequency of 0.000219 (Genome Aggregation Database March 6, 2019, v2.1.1). The variant was observed in the following populations: South Asian in 42 of 30612 chromosomes (freq: 0.001372), East Asian in 12 of 18388 chromosomes (freq: 0.000653) and European (non-Finnish) in 1 of 113432 chromosomes (freq: 0.000009), but was not observed in the African, Latino, Ashkenazi Jewish, European (Finnish), and Other populations. The p.Ala140 residue is conserved in mammals and four of five computational analyses (PolyPhen-2, SIFT, AlignGVGD, BLOSUM, MutationTaster) suggest that the variant may impact the protein; however, this information is not predictive enough to assume pathogenicity. The variant occurs outside of the splicing consensus sequence and in silico or computational prediction software programs (SpliceSiteFinder, MaxEntScan, NNSPLICE, GeneSplicer) do not predict a difference in splicing. In summary, based on the above information the clinical significance of this variant cannot be determined with certainty at this time. This variant is classified as a variant of uncertain significance.